The following is an entry in ClinVar:

ClinVar aggregate classification (germline): Uncertain significance (1 of 4 stars; one submission).

Submission:

CeGaT Center for Human Genetics Tuebingen
Classification: Uncertain significance. Last evaluated: 2023-06-01. Review status: criteria provided, single submitter. Criteria: CeGaT Center For Human Genetics Tuebingen Variant Classification Criteria Version 2. Collection method: clinical testing. Allele origin: germline. Affected: yes. Observed: 1 variant allele.
Comment: EAF2: PM2, BP4

NM_018456.6(EAF2):c.338+4T>A

Gene: EAF2 (ELL associated factor 2; plus strand). Cytogenetic location: 3q13.33.
Variant type: single nucleotide variant.
Coding change: c.338+4T>A on transcript NM_018456.6 (MANE Select); 4 bases into the intron after coding-DNA position 338, T replaced by A.
Molecular consequence: intron variant.
Genome position (GRCh38, 1-based): chr3:121,854,827, T>A. VCF-style: chr3-121854827-T-A. GRCh37 (hg19) VCF-style: chr3-121573674-T-A.
Other names: c.-52-2184T>A (NM_001320041.2).
Identifiers: ClinVar variation 2654073 (VCV002654073.24), dbSNP rs2472600220, ClinGen allele CA2695199274.
Genomic context (GRCh38, chr3:121,854,827, plus strand): 5'-TACTGGAGAATGTCGGCTAGAAAAACTCAGCAGCAACATCACTGTAAAAAAAACAAGGTA[T>A]GTGGTTTAATGAAATAAATTATATTATAAACATAAATTTCTAAGGAAATGTCAATAAAAA-3'